The following is an entry in ClinVar:

NM_000321.3(RB1):c.*1771A>G

Gene: RB1 (RB transcriptional corepressor 1; plus strand). Cytogenetic location: 13q14.2.
Variant type: single nucleotide variant.
Coding change: c.*1771A>G on transcript NM_000321.3 (MANE Select); 1771 bases downstream of the stop codon, A replaced by G.
Molecular consequence: 3 prime UTR variant.
Genome position (GRCh38, 1-based): chr13:48,481,842, A>G. VCF-style: chr13-48481842-A-G. GRCh37 (hg19) VCF-style: chr13-49055978-A-G.
Identifiers: ClinVar variation 883519 (VCV000883519.4), dbSNP rs577749913, ClinGen allele CA249292025.

ClinVar aggregate classification (germline): Benign (1 of 4 stars; one submission).

Conditions:
Retinoblastoma (RB1). Also called: RETINOBLASTOMA, SOMATIC. Identifiers: Orphanet 790, MedGen C0035335, MeSH D012175, MONDO:0008380, OMIM 180200, HP:0009919. Disease mechanism: loss of function. Inheritance: Both sporadic and heritable forms are tested..

Allele frequency attached by ClinVar (database versions not stated): gnomAD 0.00003 and 0.00025; TOPMed 0.00004; 1000 Genomes Project 0.00100; 1000 Genomes Project 30x 0.00125.
gnomAD v4.1: 45 of 220,692 alleles (0.02%); highest among the groups gnomAD compares: South Asian, 0.74%; 1 homozygote.

Submission:

Illumina Laboratory Services, Illumina
Classification: Benign for Retinoblastoma. Last evaluated: 2018-01-12. Review status: criteria provided, single submitter. Criteria: ICSL Variant Classification Criteria 13 December 2019. Collection method: clinical testing. Allele origin: germline.
Comment: This variant was observed in the ICSL laboratory as part of a predisposition screen in an ostensibly healthy population. It had not been previously curated by ICSL or reported in the Human Gene Mutation Database (HGMD: prior to June 1st, 2018), and was therefore a candidate for classification through an automated scoring system. Utilizing variant allele frequency, disease prevalence and penetrance estimates, and inheritance mode, an automated score was calculated to assess if this variant is too frequent to cause the disease. Based on the score and internal cut-off values, a variant classified as benign is not then subjected to further curation. The score for this variant resulted in a classification of benign for this disease.